The following is an entry in ClinVar:

NM_001005361.3(DNM2):c.643G>A (p.Asp215Asn)

Gene: DNM2 (dynamin 2; plus strand). Cytogenetic location: 19p13.2.
Variant type: single nucleotide variant.
Coding change: c.643G>A on transcript NM_001005361.3 (MANE Select); coding-DNA position 643, G replaced by A.
Protein change: p.Asp215Asn; replaces aspartic acid 215 with asparagine.
Molecular consequence: missense variant.
Genome position (GRCh38, 1-based): chr19:10,777,171, G>A. VCF-style: chr19-10777171-G-A. GRCh37 (hg19) VCF-style: chr19-10887847-G-A.
Other names: NM_001005361.3(DNM2):c.643G>A; p.Asp215Asn; c.643G>A, p.Asp215Asn (NM_001005360.3, NM_001005362.3, NM_001190716.2 and 1 more transcripts); short protein forms D215N.
Identifiers: ClinVar variation 416987 (VCV000416987.45), dbSNP rs145478270, ClinGen allele CA9200848.

ClinVar aggregate classification (germline): Benign. Review status: reviewed by expert panel (3 of 4 stars). 7 submissions from 7 submitters: Benign (1). 6 of the submissions do not count toward it. Last evaluated 2024-08-07.

Conditions:
Charcot-Marie-Tooth disease dominant intermediate B (CMTDIB). Also called: CHARCOT-MARIE-TOOTH NEUROPATHY, DOMINANT INTERMEDIATE B; Charcot-Marie-Tooth disease dominant intermediate 1; CMT DI1; Charcot-Marie-Tooth disease dominant intermediate I. Identifiers: Orphanet 100044, Orphanet 228179, MedGen C1847902, MONDO:0011674, OMIM 606482.
Centronuclear myopathy (CNM). Also called: Centronuclear myopathy, congenital; Myotubular myopathy. Identifiers: Orphanet 595, MedGen C0175709, MONDO:0018947. Inheritance: All.
DNM2-related disorder. Also called: DNM2-related condition.

Allele frequency attached by ClinVar (database versions not stated): 1000 Genomes Project 30x 0.00031; TOPMed 0.00032; 1000 Genomes Project 0.00040; ESP Exome Variant Server 0.00046; gnomAD exomes 0.00076 and 0.00162; ExAC 0.00150; gnomAD 0.00161 and 0.00168.
gnomAD v4.1: 1,359 of 1,614,186 alleles (0.084%); highest among the groups gnomAD compares: Middle Eastern, 0.17%; 7 homozygotes.

Submissions (7):

ClinGen Congenital Myopathies Variant Curation Expert Panel, ClinGen
Classification: Benign for Centronuclear myopathy. Last evaluated: 2024-08-07. Review status: reviewed by expert panel. Criteria: ClinGen CongenMyopathy ACMG Specifications DNM2 V1.0.0. Collection method: curation. Allele origin: germline. Inheritance: Autosomal dominant inheritance.
Comment: The variant NM_001005361.3:c.643G>A in DNM2 is a missense variant predicted to cause substitution of aspartic acid by asparagine at amino acid 215 (p.Asp215Asn). The filtering allele frequency (the lower threshold of the 95% CI of 10/6060) of the c.643G>A variant in DNM2 is 0.0009407 for Middle Eastern chromosomes by gnomAD v4.1, which is higher than the ClinGen Congenital Myopathies VCEP threshold (≥0.0000015) for BA1, and therefore meets this criterion (BA1). The computational predictor REVEL predicts a score of 0.479 which is neither above nor below the thresholds predicting a damaging or benign impact on DNM2 function (PP3, BP4 not met). DNM2, in which the variant was identified, is defined by the ClinGen Congenital Myopathies VCEP as a gene that has a low rate of benign missense variation and where pathogenic missense variants are a common mechanism of disease (PP2, not applied for this variant due to high allele frequency). In summary, this variant meets the criteria to be classified as benign for autosomal dominant centronuclear myopathy based on the ACMG/AMP criteria applied, as specified by the ClinGen Congenital Myopathies VCEP: BA1. (ClinGen Congenital Myopathies VCEP specifications version 1; 8/7/2024)

CeGaT Center for Human Genetics Tuebingen
Classification: Likely benign. Last evaluated: 2026-09-01. Review status: criteria provided, single submitter. Criteria: CeGaT Center For Human Genetics Tuebingen Variant Classification Criteria Version 2. Collection method: clinical testing. Allele origin: germline. Affected: yes. Observed: 6 variant alleles. Not counted in ClinVar's aggregate classification.
Comment: DNM2: PP3, BP5, BS2

Labcorp Genetics (formerly Invitae), Labcorp
Classification: Benign for Charcot-Marie-Tooth disease dominant intermediate B. Last evaluated: 2026-01-28. Review status: criteria provided, single submitter. Criteria: Invitae Variant Classification Sherloc (09022015). Collection method: clinical testing. Allele origin: germline. Not counted in ClinVar's aggregate classification.

Blueprint Genetics
Classification: Likely benign. Last evaluated: 2024-11-23. Review status: criteria provided, single submitter. Criteria: ACMG Guidelines, 2015. Collection method: clinical testing. Allele origin: germline. Not counted in ClinVar's aggregate classification.

Athena Diagnostics
Classification: Benign. Last evaluated: 2024-03-29. Review status: criteria provided, single submitter. Criteria: Athena Diagnostics Criteria. Collection method: clinical testing. Allele origin: unknown. Not counted in ClinVar's aggregate classification.

GeneDx
Classification: Benign. Last evaluated: 2018-03-06. Review status: criteria provided, single submitter. Criteria: GeneDx Variant Classification (06012015). Collection method: clinical testing. Allele origin: germline. Affected: yes. Not counted in ClinVar's aggregate classification.
Comment: This variant is considered likely benign or benign based on one or more of the following criteria: it is a conservative change, it occurs at a poorly conserved position in the protein, it is predicted to be benign by multiple in silico algorithms, and/or has population frequency not consistent with disease.

PreventionGenetics, part of Exact Sciences
Classification: Benign for DNM2-related condition. Last evaluated: 2024-07-16. Review status: no assertion criteria provided. Collection method: clinical testing. Allele origin: germline. Not counted in ClinVar's aggregate classification.
Comment: This variant is classified as benign based on ACMG/AMP sequence variant interpretation guidelines (Richards et al. 2015 PMID: 25741868, with internal and published modifications).